The following is an entry in ClinVar:

NM_000053.4(ATP7B):c.2314G>A (p.Val772Met)

Gene: ATP7B (ATPase copper transporting beta; minus strand). Cytogenetic location: 13q14.3.
Variant type: single nucleotide variant.
Coding change: c.2314G>A on transcript NM_000053.4 (MANE Select); coding-DNA position 2314, G replaced by A.
Protein change: p.Val772Met; replaces valine 772 with methionine.
Molecular consequence: missense variant. On other transcripts: intron variant (2).
Genome position (GRCh38, 1-based): chr13:51,958,352, C>T on the plus strand (G>A on the coding strand, the complement: ATP7B is on the minus strand). VCF-style: chr13-51958352-C-T. GRCh37 (hg19) VCF-style: chr13-52532488-C-T.
Other names: c.1981G>A, p.Val661Met (NM_001243182.2); c.2062G>A, p.Val688Met (NM_001330579.2); c.1870-745G>A (NM_001005918.3); c.2122-745G>A (NM_001330578.2); short protein forms V661M, V688M, V772M.
Identifiers: ClinVar variation 657578 (VCV000657578.9), dbSNP rs554893410, ClinGen allele CA250059963.

ClinVar aggregate classification (germline): Uncertain significance. Review status: criteria provided, multiple submitters, no conflicts (2 of 4 stars). 3 submissions from 3 submitters: Uncertain significance (2). 1 of the submissions does not count toward it. Last evaluated 2023-06-08.

Conditions:
Wilson disease (WND). Also called: Wilson's disease. Identifiers: Orphanet 905, MedGen C0019202, MONDO:0010200, OMIM 277900. Disease mechanism: loss of function.

Allele frequency attached by ClinVar (database versions not stated): gnomAD 0.00001; 1000 Genomes Project 30x 0.00016; 1000 Genomes Project 0.00020.
gnomAD v4.1: 3 of 1,614,182 alleles (0.00019%); highest among the groups gnomAD compares: East Asian, 0.0022%; no homozygotes.

Submissions (3):

All of Us Research Program, National Institutes of Health
Classification: Uncertain significance for Wilson disease. Last evaluated: 2023-06-08. Review status: criteria provided, single submitter. Criteria: ACMG Guidelines, 2015. Collection method: clinical testing. Allele origin: germline. Inheritance: Autosomal recessive inheritance. Observed: 1 variant allele, 1 heterozygote.
Comment: This missense variant replaces valine with methionine at codon 772 of the ATP7B protein. Computational prediction suggests that this variant may have deleterious impact on protein structure and function (internally defined REVEL score threshold >= 0.7, PMID: 27666373). To our knowledge, functional studies have not been reported for this variant. This variant has not been reported in individuals affected with Wilson disease in the literature. This variant has not been identified in the general population by the Genome Aggregation Database (gnomAD). The available evidence is insufficient to determine the role of this variant in disease conclusively. Therefore, this variant is classified as a Variant of Uncertain Significance.

This study involves interpretation of variants in research participants for the purpose of population health screening. Participant phenotype was not available at the time of variant classification. Additional details can be found in publication PMID: 35346344, PMCID: PMC8962531

Labcorp Genetics (formerly Invitae), Labcorp
Classification: Uncertain significance for Wilson disease. Last evaluated: 2021-12-17. Review status: criteria provided, single submitter. Criteria: Invitae Variant Classification Sherloc (09022015). Collection method: clinical testing. Allele origin: germline.
Comment: This sequence change replaces valine, which is neutral and non-polar, with methionine, which is neutral and non-polar, at codon 772 of the ATP7B protein (p.Val772Met). This variant is not present in population databases (gnomAD no frequency). This variant has not been reported in the literature in individuals affected with ATP7B-related conditions. ClinVar contains an entry for this variant (Variation ID: 657578). Algorithms developed to predict the effect of missense changes on protein structure and function are either unavailable or do not agree on the potential impact of this missense change (SIFT: "Tolerated"; PolyPhen-2: "Probably Damaging"; Align-GVGD: "Class C0"). In summary, the available evidence is currently insufficient to determine the role of this variant in disease. Therefore, it has been classified as a Variant of Uncertain Significance.

Natera, Inc.
Classification: Uncertain significance for Wilson disease. Last evaluated: 2020-02-04. Review status: no assertion criteria provided. Collection method: clinical testing. Allele origin: germline. Not counted in ClinVar's aggregate classification.